The following is an entry in ClinVar:

ClinVar aggregate classification (germline): Uncertain significance. Review status: criteria provided, multiple submitters, no conflicts (2 of 4 stars). 2 submissions from 2 submitters: Uncertain significance (2). Last evaluated 2026-07-01.

Conditions:
Inborn genetic diseases. Identifiers: MedGen C0950123, MeSH D030342.

gnomAD v4.1: 27 of 1,614,068 alleles (0.0017%); highest among the groups gnomAD compares: Non-Finnish European, 0.0021%; no homozygotes.

Submissions (2):

CeGaT Center for Human Genetics Tuebingen
Classification: Uncertain significance. Last evaluated: 2026-07-01. Review status: criteria provided, single submitter. Criteria: CeGaT Center For Human Genetics Tuebingen Variant Classification Criteria Version 2. Collection method: clinical testing. Allele origin: germline. Affected: yes. Observed: 1 variant allele.
Comment: LAMA1: PM2

Ambry Genetics
Classification: Uncertain significance for Inborn genetic diseases. Last evaluated: 2024-03-15. Review status: criteria provided, single submitter. Criteria: Ambry Variant Classification Scheme 2023. Collection method: clinical testing. Allele origin: germline.

NM_005559.4(LAMA1):c.3698A>G (p.Tyr1233Cys)

Gene: LAMA1 (laminin subunit alpha 1; minus strand). Cytogenetic location: 18p11.31.
Variant type: single nucleotide variant.
Coding change: c.3698A>G on transcript NM_005559.4 (MANE Select); coding-DNA position 3698, A replaced by G.
Protein change: p.Tyr1233Cys; replaces tyrosine 1233 with cysteine.
Molecular consequence: missense variant.
Genome position (GRCh38, 1-based): chr18:7,010,375, T>C on the plus strand (A>G on the coding strand, the complement: LAMA1 is on the minus strand). VCF-style: chr18-7010375-T-C. GRCh37 (hg19) VCF-style: chr18-7010374-T-C.
Other names: short protein forms Y1233C.
Identifiers: ClinVar variation 3289850 (VCV003289850.2).